The following is an entry in ClinVar:

ClinVar aggregate classification (germline): Uncertain significance. Review status: criteria provided, multiple submitters, no conflicts (2 of 4 stars). 2 submissions from 2 submitters: Uncertain significance (2). Last evaluated 2023-12-15.

Conditions:
Hereditary cancer-predisposing syndrome. Also called: Hereditary Cancer Syndrome; Hereditary neoplastic syndrome; Neoplastic Syndromes, Hereditary; Tumor predisposition. Identifiers: Orphanet 140162, MedGen C0027672, MeSH D009386, MONDO:0015356.

Submissions (2):

Ambry Genetics
Classification: Uncertain significance for Hereditary cancer-predisposing syndrome. Last evaluated: 2023-12-15. Review status: criteria provided, single submitter. Criteria: Ambry Variant Classification Scheme 2023. Collection method: clinical testing. Allele origin: germline.
Comment: The p.M137T variant (also known as c.410T>C), located in coding exon 3 of the NTHL1 gene, results from a T to C substitution at nucleotide position 410. The methionine at codon 137 is replaced by threonine, an amino acid with similar properties. This amino acid position is conserved. In addition, this alteration is predicted to be deleterious by in silico analysis. Since supporting evidence is limited at this time, the clinical significance of this alteration remains unclear.

Sema4
Classification: Uncertain significance for Hereditary cancer-predisposing syndrome. Last evaluated: 2022-02-15. Review status: criteria provided, single submitter. Criteria: Sema4 Curation Guidelines. Collection method: curation. Allele origin: germline.
Comment: The NTHL1 c.410T>C (p.M137T) variant has not been reported in the literature to our knowledge. This variant is not reported in the population database Genome Aggregation Database (PMID: 32461654), nor in ClinVar. In silico tools suggest the impact of the variant on protein function is deleterious, though these predictions have not been confirmed by functional studies. The evidence is insufficient to meet ACMG/AMP criteria for classifying the variant as benign or pathogenic. Thus, the clinical significance of this variant is currently uncertain.

NM_002528.7(NTHL1):c.386T>C (p.Met129Thr)

Gene: NTHL1 (nth like DNA glycosylase 1; minus strand). Cytogenetic location: 16p13.3.
Variant type: single nucleotide variant.
Coding change: c.386T>C on transcript NM_002528.7 (MANE Select); coding-DNA position 386, T replaced by C.
Protein change: p.Met129Thr; replaces methionine 129 with threonine.
Molecular consequence: missense variant. On other transcripts: intron variant (1).
Genome position (GRCh38, 1-based): chr16:2,044,769, A>G on the plus strand (T>C on the coding strand, the complement: NTHL1 is on the minus strand). VCF-style: chr16-2044769-A-G. GRCh37 (hg19) VCF-style: chr16-2094770-A-G.
Other names: c.56T>C, p.Met19Thr (NM_001318194.2); c.355-1043T>C (NM_001318193.2); short protein forms M129T, M19T.
Identifiers: ClinVar variation 1692695 (VCV001692695.2), dbSNP rs2150942480, ClinGen allele CA394294652.